The following is an entry in ClinVar:

NM_004656.4(BAP1):c.2162C>T (p.Ser721Phe)

Gene: BAP1 (BRCA1 associated deubiquitinase 1; minus strand). Cytogenetic location: 3p21.1.
Variant type: single nucleotide variant.
Coding change: c.2162C>T on transcript NM_004656.4 (MANE Select); coding-DNA position 2162, C replaced by T.
Protein change: p.Ser721Phe; replaces serine 721 with phenylalanine.
Molecular consequence: missense variant.
Genome position (GRCh38, 1-based): chr3:52,402,316, G>A on the plus strand (C>T on the coding strand, the complement: BAP1 is on the minus strand). VCF-style: chr3-52402316-G-A. GRCh37 (hg19) VCF-style: chr3-52436332-G-A.
Other names: c.2108C>T, p.Ser703Phe (NM_001410772.1); short protein forms S703F, S721F.
Identifiers: ClinVar variation 4744587 (VCV004744587.1).

ClinVar aggregate classification (germline): Uncertain significance (1 of 4 stars; one submission).

Conditions:
BAP1-related tumor predisposition syndrome (TPDS1). Also called: COMMON Syndrome; TUMOR PREDISPOSITION SYNDROME 1; Tumor susceptibility linked to germline BAP1 mutations; BAP1 tumor predisposition syndrome. Identifiers: Orphanet 289539, MedGen C3280492, MONDO:0013692, OMIM 614327.

Submission:

Labcorp Genetics (formerly Invitae), Labcorp
Classification: Uncertain significance for BAP1-related tumor predisposition syndrome. Last evaluated: 2025-11-12. Review status: criteria provided, single submitter. Criteria: Invitae Variant Classification Sherloc (09022015). Collection method: clinical testing. Allele origin: germline.
Comment: This sequence change replaces serine, which is neutral and polar, with phenylalanine, which is neutral and non-polar, at codon 721 of the BAP1 protein (p.Ser721Phe). This variant is not present in population databases (gnomAD no frequency). This variant has not been reported in the literature in individuals affected with BAP1-related conditions. Invitae Evidence Modeling of protein sequence and biophysical properties (such as structural, functional, and spatial information, amino acid conservation, physicochemical variation, residue mobility, and thermodynamic stability) has been performed for this missense variant. However, the output from this modeling did not meet the statistical confidence thresholds required to predict the impact of this variant on BAP1 protein function. In summary, the available evidence is currently insufficient to determine the role of this variant in disease. Therefore, it has been classified as a Variant of Uncertain Significance.